The following is an entry in ClinVar:

NM_182894.3(VSX2):c.455+1G>A

Gene: VSX2 (visual system homeobox 2; plus strand). Cytogenetic location: 14q24.3.
Variant type: single nucleotide variant.
Coding change: c.455+1G>A on transcript NM_182894.3 (MANE Select); the canonical splice donor site of the intron after coding-DNA position 455, G replaced by A.
Molecular consequence: splice donor variant.
Genome position (GRCh38, 1-based): chr14:74,241,267, G>A. VCF-style: chr14-74241267-G-A. GRCh37 (hg19) VCF-style: chr14-74707970-G-A.
Identifiers: ClinVar variation 2816738 (VCV002816738.3), dbSNP rs2504948671, ClinGen allele CA390361817.

ClinVar aggregate classification (germline): Likely pathogenic (1 of 4 stars; one submission).

Conditions:
Isolated microphthalmia 2. Identifiers: Orphanet 2542, MedGen C1864720, MONDO:0012409, OMIM 610093.

Submission:

Labcorp Genetics (formerly Invitae), Labcorp
Classification: Likely pathogenic for Isolated microphthalmia 2. Last evaluated: 2022-12-02. Review status: criteria provided, single submitter. Criteria: Invitae Variant Classification Sherloc (09022015). Collection method: clinical testing. Allele origin: germline.
Comment: This sequence change affects a donor splice site in intron 2 of the VSX2 gene. It is expected to disrupt RNA splicing. Variants that disrupt the donor or acceptor splice site typically lead to a loss of protein function (PMID: 16199547), and loss-of-function variants in VSX2 are known to be pathogenic (PMID: 20414678). In summary, the currently available evidence indicates that the variant is pathogenic, but additional data are needed to prove that conclusively. Therefore, this variant has been classified as Likely Pathogenic. Algorithms developed to predict the effect of sequence changes on RNA splicing suggest that this variant may disrupt the consensus splice site. This variant has not been reported in the literature in individuals affected with VSX2-related conditions. This variant is not present in population databases (gnomAD no frequency).

Literature cited by the submitters: PubMed 16199547; PubMed 20414678.